The following is an entry in ClinVar:

ClinVar aggregate classification (germline): Uncertain significance. Review status: criteria provided, multiple submitters, no conflicts (2 of 4 stars). 2 submissions from 2 submitters: Uncertain significance (2). Last evaluated 2025-12-01.

Conditions:
Familial thoracic aortic aneurysm and aortic dissection (TAAD). Also called: Thoracic aortic aneurysms and dissections. Identifiers: Orphanet 91387, MedGen C4707243, MONDO:0019625.
Aortic aneurysm, familial thoracic 7 (AAT7). Also called: AORTIC DISSECTION, FAMILIAL, WITH OR WITHOUT AORTIC ANEURYSM. Identifiers: MedGen C3151077, MONDO:0013418, OMIM 613780.

Submissions (2):

Ambry Genetics
Classification: Uncertain significance for Familial thoracic aortic aneurysm and aortic dissection. Last evaluated: 2025-12-01. Review status: criteria provided, single submitter. Criteria: Ambry Variant Classification Scheme 2023. Collection method: clinical testing. Allele origin: germline.
Comment: The p.P650L variant (also known as c.1949C>T), located in coding exon 12 of the MYLK gene, results from a C to T substitution at nucleotide position 1949. The proline at codon 650 is replaced by leucine, an amino acid with similar properties. This amino acid position is conserved. In addition, the in silico prediction for this alteration is inconclusive. Based on the available evidence, the clinical significance of this variant remains unclear.

Labcorp Genetics (formerly Invitae), Labcorp
Classification: Uncertain significance for Aortic aneurysm, familial thoracic 7. Last evaluated: 2024-10-15. Review status: criteria provided, single submitter. Criteria: Invitae Variant Classification Sherloc (09022015). Collection method: clinical testing. Allele origin: germline.
Comment: This sequence change replaces proline, which is neutral and non-polar, with leucine, which is neutral and non-polar, at codon 650 of the MYLK protein (p.Pro650Leu). This variant is not present in population databases (gnomAD no frequency). This variant has not been reported in the literature in individuals affected with MYLK-related conditions. Invitae Evidence Modeling of protein sequence and biophysical properties (such as structural, functional, and spatial information, amino acid conservation, physicochemical variation, residue mobility, and thermodynamic stability) indicates that this missense variant is not expected to disrupt MYLK protein function with a negative predictive value of 80%. In summary, the available evidence is currently insufficient to determine the role of this variant in disease. Therefore, it has been classified as a Variant of Uncertain Significance.

NM_053025.4(MYLK):c.1949C>T (p.Pro650Leu)

Gene: MYLK (myosin light chain kinase; minus strand). Cytogenetic location: 3q21.1.
Variant type: single nucleotide variant.
Coding change: c.1949C>T on transcript NM_053025.4 (MANE Select); coding-DNA position 1949, C replaced by T.
Protein change: p.Pro650Leu; replaces proline 650 with leucine.
Molecular consequence: missense variant.
Genome position (GRCh38, 1-based): chr3:123,708,889, G>A on the plus strand (C>T on the coding strand, the complement: MYLK is on the minus strand). VCF-style: chr3-123708889-G-A. GRCh37 (hg19) VCF-style: chr3-123427736-G-A.
Other names: c.1421C>T, p.Pro474Leu (NM_001321309.2); c.1742C>T, p.Pro581Leu (NM_053026.4, NM_053028.4); c.1949C>T, p.Pro650Leu (NM_053027.4); c.1949C>T (NM_053025.3); short protein forms P581L, P650L, P474L.
Identifiers: ClinVar variation 3716314 (VCV003716314.3).